The following is an entry in ClinVar:

NM_004174.4(SLC9A3):c.1345G>A (p.Val449Ile)

Gene: SLC9A3 (solute carrier family 9 member A3). Cytogenetic location: 5p15.33.
Variant type: single nucleotide variant.
Coding change: c.1345G>A on transcript NM_004174.4 (MANE Select); coding-DNA position 1345, G replaced by A.
Protein change: p.Val449Ile; replaces valine 449 with isoleucine.
Molecular consequence: missense variant.
Genome position (GRCh38, 1-based): chr5:482,559, C>T on the plus strand (G>A on the coding strand, the complement: SLC9A3 is on the minus strand). VCF-style: chr5-482559-C-T. GRCh37 (hg19) VCF-style: chr5-482674-C-T.
Other names: c.1345G>A, p.Val449Ile (NM_001284351.3); short protein forms V449I.
Identifiers: ClinVar variation 1488903 (VCV001488903.6), dbSNP rs373713101, ClinGen allele CA3176002.

ClinVar aggregate classification (germline): Uncertain significance (1 of 4 stars; one submission).

Allele frequency attached by ClinVar (database versions not stated): ExAC 0.00005; gnomAD 0.00005 and 0.00006; gnomAD exomes 0.00005; ESP Exome Variant Server 0.00008; TOPMed 0.00009.
gnomAD v4.1: 166 of 1,610,402 alleles (0.01%); highest among the groups gnomAD compares: South Asian, 0.024%; 1 homozygote.

Submission:

Labcorp Genetics (formerly Invitae), Labcorp
Classification: Uncertain significance. Last evaluated: 2024-05-21. Review status: criteria provided, single submitter. Criteria: Invitae Variant Classification Sherloc (09022015). Collection method: clinical testing. Allele origin: germline.
Comment: This sequence change replaces valine, which is neutral and non-polar, with isoleucine, which is neutral and non-polar, at codon 449 of the SLC9A3 protein (p.Val449Ile). The frequency data for this variant in the population databases is considered unreliable, as metrics indicate poor data quality at this position in the gnomAD database. This missense change has been observed in individual(s) with congenital sodium diarrhea (PMID: 35775128). ClinVar contains an entry for this variant (Variation ID: 1488903). Advanced modeling of protein sequence and biophysical properties (such as structural, functional, and spatial information, amino acid conservation, physicochemical variation, residue mobility, and thermodynamic stability) has been performed at Invitae for this missense variant, however the output from this modeling did not meet the statistical confidence thresholds required to predict the impact of this variant on SLC9A3 protein function. In summary, the available evidence is currently insufficient to determine the role of this variant in disease. Therefore, it has been classified as a Variant of Uncertain Significance.

Literature cited by the submitters: PubMed 35775128.